The following is an entry in ClinVar:

NM_003126.4(SPTA1):c.24+1G>A

Gene: SPTA1 (spectrin alpha, erythrocytic 1; minus strand). Cytogenetic location: 1q23.1.
Variant type: single nucleotide variant.
Coding change: c.24+1G>A on transcript NM_003126.4 (MANE Select); the canonical splice donor site of the intron after coding-DNA position 24, G replaced by A.
Molecular consequence: splice donor variant.
Genome position (GRCh38, 1-based): chr1:158,686,493, C>T on the plus strand (G>A on the coding strand, the complement: SPTA1 is on the minus strand). VCF-style: chr1-158686493-C-T. GRCh37 (hg19) VCF-style: chr1-158656283-C-T.
Identifiers: ClinVar variation 1330475 (VCV001330475.19), dbSNP rs772644757, ClinGen allele CA1184295.
Genomic context (GRCh38, chr1:158,686,493, plus strand): 5'-AGGAAACATCTTTCCTAATAATATTAATGACAAATTGCATGGAAGAGAAATATGTACTTA[C>T]GGTTTCCTTTGGAAATTGCTCCATTTTTCCTAAAGGTTTAGAACCTGGCAAGATAAAATG-3'

ClinVar aggregate classification (germline): Pathogenic/Likely pathogenic. Review status: criteria provided, multiple submitters, no conflicts (2 of 4 stars). 3 submissions from 3 submitters: Pathogenic (1); Likely pathogenic (2). Last evaluated 2025-06-04.

Allele frequency attached by ClinVar (database versions not stated): gnomAD exomes below 0.00001; ExAC 0.00001.
gnomAD v4.1: 6 of 1,589,146 alleles (0.00038%); highest among the groups gnomAD compares: South Asian, 0.0011%; no homozygotes.

Submissions (3):

Labcorp Genetics (formerly Invitae), Labcorp
Classification: Likely pathogenic. Last evaluated: 2025-06-04. Review status: criteria provided, single submitter. Criteria: Invitae Variant Classification Sherloc (09022015). Collection method: clinical testing. Allele origin: germline.
Comment: This sequence change affects a donor splice site in intron 1 of the SPTA1 gene. It is expected to disrupt RNA splicing. Variants that disrupt the donor or acceptor splice site typically lead to a loss of protein function (PMID: 16199547), and loss-of-function variants in SPTA1 are known to be pathogenic (PMID: 9192783, 18815189, 31333484, 31723846, 32266426). This variant is present in population databases (rs772644757, gnomAD 0.0009%). This variant has not been reported in the literature in individuals affected with SPTA1-related conditions. ClinVar contains an entry for this variant (Variation ID: 1330475). Algorithms developed to predict the effect of sequence changes on RNA splicing suggest that this variant may disrupt the consensus splice site. In summary, the currently available evidence indicates that the variant is pathogenic, but additional data are needed to prove that conclusively. Therefore, this variant has been classified as Likely Pathogenic.

CeGaT Center for Human Genetics Tuebingen
Classification: Likely pathogenic. Last evaluated: 2025-05-01. Review status: criteria provided, single submitter. Criteria: CeGaT Center For Human Genetics Tuebingen Variant Classification Criteria Version 2. Collection method: clinical testing. Allele origin: germline. Affected: yes. Observed: 1 variant allele.
Comment: SPTA1: PVS1:Strong, PM2, PM3:Supporting

ARUP Laboratories, Molecular Genetics and Genomics, ARUP Laboratories
Classification: Pathogenic. Last evaluated: 2021-07-26. Review status: criteria provided, single submitter. Criteria: ARUP Molecular Germline Variant Investigation Process 2021. Collection method: clinical testing. Allele origin: germline.

Literature cited by the submitters: PubMed 16199547 (cited by Labcorp Genetics (formerly Invitae), Labcorp); PubMed 9192783 (cited by Labcorp Genetics (formerly Invitae), Labcorp); PubMed 18815189 (cited by Labcorp Genetics (formerly Invitae), Labcorp); PubMed 31333484 (cited by Labcorp Genetics (formerly Invitae), Labcorp); PubMed 31723846 (cited by Labcorp Genetics (formerly Invitae), Labcorp); PubMed 32266426 (cited by Labcorp Genetics (formerly Invitae), Labcorp).